The following is an entry in ClinVar:

ClinVar aggregate classification (germline): Likely pathogenic (1 of 4 stars; one submission).

Conditions:
Autosomal recessive polycystic kidney disease (ARPKD). Also called: AR polycystic kidney disease. Identifiers: Orphanet 731, Orphanet 8378, MedGen C0085548, MeSH D017044, MONDO:0009889.

Submission:

Natera, Inc.
Classification: Likely pathogenic for Autosomal recessive polycystic kidney disease. Last evaluated: 2025-03-04. Review status: criteria provided, single submitter. Criteria: Natera Variant Classification Schema (03/2026). Collection method: clinical testing. Allele origin: germline.
Comment: The c.2030dup variant in PKHD1 is a frameshift variant predicted to shift the reading frame beginning at codon 678 and leads to a stop codon 27 codons downstream. This variant is expected to result in nonsense mediated decay, truncation, or a dysfunctional protein product. This variant is rare in the general population with a frequency below the threshold expected for the associated phenotype(s). Given the available evidence, this variant is classified as Likely Pathogenic.

NM_138694.4(PKHD1):c.2030dup (p.Pro678fs)

Gene: PKHD1 (PKHD1 ciliary IPT domain containing fibrocystin/polyductin; minus strand). Cytogenetic location: 6p12.2.
Variant type: Duplication.
Coding change: c.2030dup on transcript NM_138694.4 (MANE Select); coding-DNA position 2030, one base duplicated (C; older notation c.2030dupC).
Protein change: p.Pro678fs; shifts the reading frame from proline 678.
Molecular consequence: frameshift variant.
Genome position (GRCh38, 1-based): chr6:52,053,186, G duplicated on the plus strand (C on the coding strand, the reverse complement: PKHD1 is on the minus strand); the first of 5 consecutive G bases (chr6:52,053,186-52,053,190); duplicating any one gives the same sequence. VCF-style (leftmost placement, unchanged base first): chr6-52053185-A-AG. GRCh37 (hg19) VCF-style: chr6-51917983-A-AG.
Other names: c.2030dup, p.Pro678fs (NM_170724.3); short protein forms P678fs.
Identifiers: ClinVar variation 4060173 (VCV004060173.2).
Genomic context (GRCh38, chr6:52,053,185, plus strand): 5'-CGTCTCCTGGGCCAGAGGGAGAAGGTTGATCTGATGAACCAGCACTGGGGAGTTTGCCGG[A>AG]GGGGGCTGGAGATCCCCGAAGCAACGCACACAAGTCTCCCAGAGGTCAGTGCAATCGAAC-3'